The following is an entry in ClinVar:

NM_000350.3(ABCA4):c.6038A>G (p.Asn2013Ser)

Gene: ABCA4 (ATP binding cassette subfamily A member 4; minus strand). Cytogenetic location: 1p22.1.
Variant type: single nucleotide variant.
Coding change: c.6038A>G on transcript NM_000350.3 (MANE Select); coding-DNA position 6038, A replaced by G.
Protein change: p.Asn2013Ser; replaces asparagine 2013 with serine.
Molecular consequence: missense variant.
Genome position (GRCh38, 1-based): chr1:94,005,550, T>C on the plus strand (A>G on the coding strand, the complement: ABCA4 is on the minus strand). VCF-style: chr1-94005550-T-C. GRCh37 (hg19) VCF-style: chr1-94471106-T-C.
Other names: c.5816A>G, p.Asn1939Ser (NM_001425324.1); short protein forms N2013S, N1939S.
Identifiers: ClinVar variation 1503073 (VCV001503073.6), dbSNP rs774582273, ClinGen allele CA957036.

ClinVar aggregate classification (germline): Conflicting classifications of pathogenicity. Review status: criteria provided, conflicting classifications (1 of 4 stars). 2 submissions from 2 submitters: Uncertain significance (1); Likely benign (1). Last evaluated 2022-08-30.

Conditions:
Inborn genetic diseases. Identifiers: MedGen C0950123, MeSH D030342.

Allele frequency attached by ClinVar (database versions not stated): gnomAD exomes 0.00001; ExAC 0.00002.

Submissions (2):

Ambry Genetics
Classification: Likely benign for Inborn genetic diseases. Last evaluated: 2022-08-30. Review status: criteria provided, single submitter. Criteria: Ambry Variant Classification Scheme 2023. Collection method: clinical testing. Allele origin: germline.

Labcorp Genetics (formerly Invitae), Labcorp
Classification: Uncertain significance. Last evaluated: 2022-07-21. Review status: criteria provided, single submitter. Criteria: Invitae Variant Classification Sherloc (09022015). Collection method: clinical testing. Allele origin: germline.
Comment: This sequence change replaces asparagine, which is neutral and polar, with serine, which is neutral and polar, at codon 2013 of the ABCA4 protein (p.Asn2013Ser). This variant is present in population databases (rs774582273, gnomAD 0.002%). This variant has not been reported in the literature in individuals affected with ABCA4-related conditions. ClinVar contains an entry for this variant (Variation ID: 1503073). Advanced modeling of protein sequence and biophysical properties (such as structural, functional, and spatial information, amino acid conservation, physicochemical variation, residue mobility, and thermodynamic stability) performed at Invitae indicates that this missense variant is not expected to disrupt ABCA4 protein function. Algorithms developed to predict the effect of sequence changes on RNA splicing suggest that this variant may create or strengthen a splice site. In summary, the available evidence is currently insufficient to determine the role of this variant in disease. Therefore, it has been classified as a Variant of Uncertain Significance.